The following is an entry in ClinVar:

NM_001267550.2(TTN):c.50692A>T (p.Lys16898Ter)

Genes: TTN (titin; minus strand), TTN-AS1 (TTN antisense RNA 1; plus strand). Cytogenetic location: 2q31.2.
Variant type: single nucleotide variant.
Coding change: c.50692A>T on transcript NM_001267550.2 (MANE Select); coding-DNA position 50692, A replaced by T.
Protein change: p.Lys16898Ter; replaces lysine 16898 with a stop codon.
Molecular consequence: nonsense.
Genome position (GRCh38, 1-based): chr2:178,611,537, T>A on the plus strand (A>T on the coding strand, the complement: TTN is on the minus strand). VCF-style: chr2-178611537-T-A. GRCh37 (hg19) VCF-style: chr2-179476264-T-A.
Other names: c.45769A>T, p.Lys15257Ter (NM_001256850.1); c.23497A>T, p.Lys7833Ter (NM_003319.4); c.42988A>T, p.Lys14330Ter (NM_133378.4); c.23872A>T, p.Lys7958Ter (NM_133432.3); c.24073A>T, p.Lys8025Ter (NM_133437.4); short protein forms K7833*, K14330*, K16898*, K8025*, K15257*, K7958*.
Identifiers: ClinVar variation 2028978 (VCV002028978.4), dbSNP rs976705857, ClinGen allele CA349593502.

ClinVar aggregate classification (germline): Likely pathogenic (1 of 4 stars; one submission).

Conditions:
Dilated cardiomyopathy 1G (CMD1G). Identifiers: Orphanet 154, MedGen C1858763, MONDO:0011400, OMIM 604145.
Autosomal recessive limb-girdle muscular dystrophy type 2J (LGMDR10). Also called: Limb-girdle muscular dystrophy, type 2J; MUSCULAR DYSTROPHY, LIMB-GIRDLE, AUTOSOMAL RECESSIVE 10. Identifiers: Orphanet 140922, MedGen C1837342, MONDO:0012127, OMIM 608807.

Submission:

Labcorp Genetics (formerly Invitae), Labcorp
Classification: Likely pathogenic for Dilated cardiomyopathy 1G; Autosomal recessive limb-girdle muscular dystrophy type 2J. Last evaluated: 2023-04-24. Review status: criteria provided, single submitter. Criteria: Invitae Variant Classification Sherloc (09022015). Collection method: clinical testing. Allele origin: germline.
Comment: This sequence change creates a premature translational stop signal (p.Lys16898*) in the TTN gene. While this is not anticipated to result in nonsense mediated decay, it is expected to disrupt the last 19094 amino acid(s) of the TTN protein. This variant is not present in population databases (gnomAD no frequency). This variant has not been reported in the literature in individuals affected with TTN-related conditions. ClinVar contains an entry for this variant (Variation ID: 2028978). This variant is located in the A band of TTN (PMID: 25589632). Truncating variants in this region are significantly overrepresented in patients affected with dilated cardiomyopathy (PMID: 25589632). Truncating variants in this region have also been reported in individuals affected with autosomal recessive centronuclear myopathy (PMID: 23975875). In summary, the currently available evidence indicates that the variant is pathogenic, but additional data are needed to prove that conclusively. Therefore, this variant has been classified as Likely Pathogenic.

Literature cited by the submitters: PubMed 25589632; PubMed 23975875.